The following is an entry in ClinVar:

ClinVar aggregate classification (germline): Pathogenic (1 of 4 stars; one submission).

Conditions:
Familial dysautonomia. Also called: HSAN III; FD. Identifiers: Orphanet 1764, MedGen C0013364, MONDO:0009131, OMIM 223900. Disease mechanism: loss of function.

Submission:

Myriad Genetics, Inc.
Classification: Pathogenic for Familial dysautonomia. Last evaluated: 2025-11-25. Review status: criteria provided, single submitter. Criteria: Myriad Autosomal Dominant, Autosomal Recessive and X-Linked Classification Criteria (2023). Collection method: clinical testing. Allele origin: unknown.
Comment: NM_003640.3(ELP1):c.1337delA(N446Tfs*18) is expected to be pathogenic in the context of familial dysautonomia. This variant is predicted to lead to an abnormal or absent protein product due to the creation of a premature termination codon in ELP1, a gene where loss-of-function variants are known to be pathogenic. Please note: this variant was assessed in the context of healthy population screening.

NM_003640.5(ELP1):c.1337del (p.Asn446fs)

Gene: ELP1 (elongator acetyltransferase complex subunit 1; minus strand). Cytogenetic location: 9q31.3.
Variant type: Deletion.
Coding change: c.1337del on transcript NM_003640.5 (MANE Select); coding-DNA position 1337, one base deleted (A; older notation c.1337delA).
Protein change: p.Asn446fs; shifts the reading frame from asparagine 446.
Molecular consequence: frameshift variant.
Genome position (GRCh38, 1-based): chr9:108,911,033, T deleted on the plus strand (A on the coding strand, the reverse complement: ELP1 is on the minus strand); the first of 2 consecutive T bases (chr9:108,911,033-108,911,034); deleting either gives the same sequence. VCF-style (leftmost placement, unchanged base first): chr9-108911032-GT-G. GRCh37 (hg19) VCF-style: chr9-111673312-GT-G.
Other names: c.995del, p.Asn332fs (NM_001318360.2); c.290del, p.Asn97fs (NM_001330749.2); short protein forms N332fs, N446fs, N97fs.
Identifiers: ClinVar variation 5015263 (VCV005015263.1).